The following is an entry in ClinVar:

ClinVar aggregate classification (germline): Uncertain significance (1 of 4 stars; one submission).

Allele frequency attached by ClinVar (database versions not stated): gnomAD exomes below 0.00001.
gnomAD v4.1: 1 of 1,598,538 alleles (0.000063%); highest among the groups gnomAD compares: African/African-American, 0.0013%; no homozygotes.

Submission:

Labcorp Genetics (formerly Invitae), Labcorp
Classification: Uncertain significance. Last evaluated: 2020-12-31. Review status: criteria provided, single submitter. Criteria: Invitae Variant Classification Sherloc (09022015). Collection method: clinical testing. Allele origin: germline.
Comment: In summary, the available evidence is currently insufficient to determine the role of this variant in disease. Therefore, it has been classified as a Variant of Uncertain Significance. Algorithms developed to predict the effect of sequence changes on RNA splicing suggest that this variant may create or strengthen a splice site, but this prediction has not been confirmed by published transcriptional studies. Algorithms developed to predict the effect of missense changes on protein structure and function are either unavailable or do not agree on the potential impact of this missense change (SIFT: "Deleterious"; PolyPhen-2: "Probably Damaging"; Align-GVGD: "Class C0"). This variant has not been reported in the literature in individuals with GUF1-related conditions. This variant is not present in population databases (ExAC no frequency). This sequence change replaces alanine with glycine at codon 226 of the GUF1 protein (p.Ala226Gly). The alanine residue is highly conserved and there is a small physicochemical difference between alanine and glycine.

NM_021927.3(GUF1):c.677C>G (p.Ala226Gly)

Gene: GUF1 (GTP binding elongation factor GUF1; plus strand). Cytogenetic location: 4p12.
Variant type: single nucleotide variant.
Coding change: c.677C>G on transcript NM_021927.3 (MANE Select); coding-DNA position 677, C replaced by G.
Protein change: p.Ala226Gly; replaces alanine 226 with glycine.
Molecular consequence: missense variant. On other transcripts: 5 prime UTR variant (2).
Genome position (GRCh38, 1-based): chr4:44,685,966, C>G. VCF-style: chr4-44685966-C-G. GRCh37 (hg19) VCF-style: chr4-44687983-C-G.
Other names: c.-296C>G (NM_001345867.2, NM_001345869.2); c.677C>G, p.Ala226Gly (NM_001345868.2); short protein forms A226G.
Identifiers: ClinVar variation 1499153 (VCV001499153.8), dbSNP rs2109642897, ClinGen allele CA356762107.